The following is an entry in ClinVar:

NM_001378454.1(ALMS1):c.3325C>T (p.Gln1109Ter)

Gene: ALMS1 (ALMS1 centrosome and basal body associated protein; plus strand). Cytogenetic location: 2p13.1.
Variant type: single nucleotide variant.
Coding change: c.3325C>T on transcript NM_001378454.1 (MANE Select); coding-DNA position 3325, C replaced by T.
Protein change: p.Gln1109Ter; replaces glutamine 1109 with a stop codon.
Molecular consequence: nonsense.
Genome position (GRCh38, 1-based): chr2:73,449,852, C>T. VCF-style: chr2-73449852-C-T. GRCh37 (hg19) VCF-style: chr2-73676979-C-T.
Other names: c.3328C>T, p.Gln1110Ter (NM_015120.4); short protein forms Q1109*, Q1110*.
Identifiers: ClinVar variation 935545 (VCV000935545.7), dbSNP rs1671890891, ClinGen allele CA347275096.

ClinVar aggregate classification (germline): Pathogenic (1 of 4 stars; one submission).

Conditions:
Alstrom syndrome (ALMS). Identifiers: Orphanet 64, MedGen C0268425, MONDO:0008763, OMIM 203800.

Allele frequency attached by ClinVar (database versions not stated): TOPMed below 0.00001; gnomAD exomes 0.00001.
gnomAD v4.1: 14 of 1,614,102 alleles (0.00087%); highest among the groups gnomAD compares: Non-Finnish European, 0.0012%; no homozygotes.

Submission:

Labcorp Genetics (formerly Invitae), Labcorp
Classification: Pathogenic for Alstrom syndrome. Last evaluated: 2022-06-10. Review status: criteria provided, single submitter. Criteria: Invitae Variant Classification Sherloc (09022015). Collection method: clinical testing. Allele origin: germline.
Comment: ClinVar contains an entry for this variant (Variation ID: 935545). This variant has not been reported in the literature in individuals affected with ALMS1-related conditions. This variant is not present in population databases (gnomAD no frequency). This sequence change creates a premature translational stop signal (p.Gln1110*) in the ALMS1 gene. It is expected to result in an absent or disrupted protein product. Loss-of-function variants in ALMS1 are known to be pathogenic (PMID: 17594715). For these reasons, this variant has been classified as Pathogenic.

Literature cited by the submitters: PubMed 17594715.